The following is an entry in ClinVar:

ClinVar aggregate classification (germline): Uncertain significance (1 of 4 stars; one submission).

Conditions:
Common variable immunodeficiency (CVID). Also called: Common variable hypogamma-globulinemia; Common variable agammaglobulinemia. Identifiers: Orphanet 1572, MedGen C0009447, MONDO:0015517.

gnomAD v4.1: 8 of 1,610,868 alleles (0.0005%); highest among the groups gnomAD compares: South Asian, 0.0066%; no homozygotes.

Submission:

Labcorp Genetics (formerly Invitae), Labcorp
Classification: Uncertain significance for Common variable immunodeficiency. Last evaluated: 2024-04-10. Review status: criteria provided, single submitter. Criteria: Invitae Variant Classification Sherloc (09022015). Collection method: clinical testing. Allele origin: germline.
Comment: This sequence change replaces glycine, which is neutral and non-polar, with alanine, which is neutral and non-polar, at codon 98 of the TNFSF12 protein (p.Gly98Ala). This variant is present in population databases (rs781430505, gnomAD 0.007%). This variant has not been reported in the literature in individuals affected with TNFSF12-related conditions. An algorithm developed to predict the effect of missense changes on protein structure and function (PolyPhen-2) suggests that this variant is likely to be tolerated. In summary, the available evidence is currently insufficient to determine the role of this variant in disease. Therefore, it has been classified as a Variant of Uncertain Significance.

NM_003809.3(TNFSF12):c.293G>C (p.Gly98Ala)

Genes: TNFSF12 (TNF superfamily member 12; plus strand), TNFSF12-TNFSF13 (TNFSF12-TNFSF13 readthrough; plus strand). Cytogenetic location: 17p13.1.
Variant type: single nucleotide variant.
Coding change: c.293G>C on transcript NM_003809.3 (MANE Select); coding-DNA position 293, G replaced by C.
Protein change: p.Gly98Ala; replaces glycine 98 with alanine.
Molecular consequence: missense variant. On other transcripts: non-coding transcript variant (1).
Genome position (GRCh38, 1-based): chr17:7,550,808, G>C. VCF-style: chr17-7550808-G-C. GRCh37 (hg19) VCF-style: chr17-7454125-G-C.
Other names: c.293G>C, p.Gly98Ala (NM_172089.4); short protein forms G98A.
Identifiers: ClinVar variation 3710478 (VCV003710478.2).